The following is an entry in ClinVar:

NM_000094.4(COL7A1):c.6662G>A (p.Gly2221Glu)

Gene: COL7A1 (collagen type VII alpha 1 chain; minus strand). Cytogenetic location: 3p21.31.
Variant type: single nucleotide variant.
Coding change: c.6662G>A on transcript NM_000094.4 (MANE Select); coding-DNA position 6662, G replaced by A.
Protein change: p.Gly2221Glu; replaces glycine 2221 with glutamic acid.
Molecular consequence: missense variant.
Genome position (GRCh38, 1-based): chr3:48,573,226, C>T on the plus strand (G>A on the coding strand, the complement: COL7A1 is on the minus strand). VCF-style: chr3-48573226-C-T. GRCh37 (hg19) VCF-style: chr3-48610659-C-T.
Other names: short protein forms G2221E.
Identifiers: ClinVar variation 2111773 (VCV002111773.5), dbSNP rs200382597, ClinGen allele CA73976040.

ClinVar aggregate classification (germline): Conflicting classifications of pathogenicity. Review status: criteria provided, conflicting classifications (1 of 4 stars). 2 submissions from 2 submitters: Pathogenic (1); Uncertain significance (1). Last evaluated 2023-03-06.

Allele frequency attached by ClinVar (database versions not stated): ESP Exome Variant Server 0.00008.

Submissions (2):

GeneDx
Classification: Pathogenic. Last evaluated: 2023-03-06. Review status: criteria provided, single submitter. Criteria: GeneDx Variant Classification Process June 2021. Collection method: clinical testing. Allele origin: germline. Affected: yes.
Comment: Has not been previously published as pathogenic or benign to our knowledge; Located in the highly conserved Gly-X-Y repeat of the collagenous domain; Glycine substitution variants in this region of the COLVII protein destabilize the collagen triple helix resulting in skin fragility due to poor anchoring of the basement membrane to the underlying dermis (Pfendner and Lucky, 2018); Not observed at significant frequency in large population cohorts (gnomAD); In silico analysis supports that this missense variant has a deleterious effect on protein structure/function

Labcorp Genetics (formerly Invitae), Labcorp
Classification: Uncertain significance. Last evaluated: 2022-03-14. Review status: criteria provided, single submitter. Criteria: Invitae Variant Classification Sherloc (09022015). Collection method: clinical testing. Allele origin: germline.
Comment: In summary, the available evidence is currently insufficient to determine the role of this variant in disease. Therefore, it has been classified as a Variant of Uncertain Significance. This variant disrupts the p.Gly2221 amino acid residue in COL7A1. Other variant(s) that disrupt this residue have been observed in individuals with COL7A1-related conditions (PMID: 20184583, 21448560), which suggests that this may be a clinically significant amino acid residue. This sequence change replaces glycine, which is neutral and non-polar, with glutamic acid, which is acidic and polar, at codon 2221 of the COL7A1 protein (p.Gly2221Glu). This variant is not present in population databases (gnomAD no frequency). This variant has not been reported in the literature in individuals affected with COL7A1-related conditions. Advanced modeling of protein sequence and biophysical properties (such as structural, functional, and spatial information, amino acid conservation, physicochemical variation, residue mobility, and thermodynamic stability) performed at Invitae indicates that this missense variant is expected to disrupt COL7A1 protein function. This variant disrupts the triple helix domain of COL7A1. Glycine residues within the Gly-Xaa-Yaa repeats of the triple helix domain are required for the structure and stability of fibrillar collagens (PMID: 7695699, 8218237, 19344236), and variants at these glycine residues in COL7A1 are more frequently observed in individuals with disease than in the general population (PMID: 22058051). However, the clinical significance of this observation remains uncertain since only a limited number of affected individuals have been described to date.

Literature cited by the submitters: PubMed 20184583 (cited by Labcorp Genetics (formerly Invitae), Labcorp); PubMed 21448560 (cited by Labcorp Genetics (formerly Invitae), Labcorp); PubMed 7695699 (cited by Labcorp Genetics (formerly Invitae), Labcorp); PubMed 8218237 (cited by Labcorp Genetics (formerly Invitae), Labcorp); PubMed 19344236 (cited by Labcorp Genetics (formerly Invitae), Labcorp); PubMed 22058051 (cited by Labcorp Genetics (formerly Invitae), Labcorp).